The following is an entry in ClinVar:

ClinVar aggregate classification (germline): Uncertain significance (1 of 4 stars; one submission).

Conditions:
Long QT syndrome (LQTS). Identifiers: MedGen C0023976, MeSH D008133, MONDO:0002442. Disease mechanism: loss of function. Inheritance: Various modes of inheritance.

Allele frequency attached by ClinVar (database versions not stated): gnomAD exomes below 0.00001; TOPMed below 0.00001.
gnomAD v4.1: 4 of 1,614,086 alleles (0.00025%); highest among the groups gnomAD compares: East Asian, 0.0022%; no homozygotes.

Submission:

Labcorp Genetics (formerly Invitae), Labcorp
Classification: Uncertain significance for Long QT syndrome. Last evaluated: 2023-10-03. Review status: criteria provided, single submitter. Criteria: Invitae Variant Classification Sherloc (09022015). Collection method: clinical testing. Allele origin: germline.
Comment: This sequence change replaces glutamic acid, which is acidic and polar, with lysine, which is basic and polar, at codon 3830 of the ANK2 protein (p.Glu3830Lys). This variant is present in population databases (no rsID available, gnomAD 0.003%). This variant has not been reported in the literature in individuals affected with ANK2-related conditions. ClinVar contains an entry for this variant (Variation ID: 652821). Advanced modeling of protein sequence and biophysical properties (such as structural, functional, and spatial information, amino acid conservation, physicochemical variation, residue mobility, and thermodynamic stability) performed at Invitae indicates that this missense variant is not expected to disrupt ANK2 protein function. In summary, the available evidence is currently insufficient to determine the role of this variant in disease. Therefore, it has been classified as a Variant of Uncertain Significance.

NM_001148.6(ANK2):c.11488G>A (p.Glu3830Lys)

Gene: ANK2 (ankyrin 2; plus strand). Cytogenetic location: 4q26.
Variant type: single nucleotide variant.
Coding change: c.11488G>A on transcript NM_001148.6 (MANE Select); coding-DNA position 11488, G replaced by A.
Protein change: p.Glu3830Lys; replaces glutamic acid 3830 with lysine.
Molecular consequence: missense variant.
Genome position (GRCh38, 1-based): chr4:113,369,683, G>A. VCF-style: chr4-113369683-G-A. GRCh37 (hg19) VCF-style: chr4-114290839-G-A.
Other names: c.5206G>A, p.Glu1736Lys (NM_001127493.3); c.5245G>A, p.Glu1749Lys (NM_001354225.2); c.5134G>A, p.Glu1712Lys (NM_001354228.2, NM_001354258.2); c.5212G>A, p.Glu1738Lys (NM_001354230.2); c.5275G>A, p.Glu1759Lys (NM_001354231.2, NM_001354242.2); c.5269G>A, p.Glu1757Lys (NM_001354232.2); c.5230G>A, p.Glu1744Lys (NM_001354235.2, NM_001354246.2, NM_001354265.2); c.5131G>A, p.Glu1711Lys (NM_001354236.2); and 35 more; short protein forms E1674K, E1711K, E1736K, E1738K, E3830K, E1650K, E1690K, E1724K.
Identifiers: ClinVar variation 652821 (VCV000652821.5), dbSNP rs1406909211, ClinGen allele CA357942822.
Genomic context (GRCh38, chr4:113,369,683, plus strand): 5'-CTGTACCTCCAGACCCCAACATCCAGCGAGCGGGGAGGCTCTCCCATCATACAAGAACCC[G>A]AAGAGCCCTCAGAGCACAGAGAGGAGAGCTCTCCGCGGAAAACCAGCCTCGTAATAGTGG-3'
Protein context (NP_001139.3, residues 3820-3840): RGGSPIIQEP[Glu3830Lys]EPSEHREESS